The following is an entry in ClinVar:

ClinVar aggregate classification (germline): Conflicting classifications of pathogenicity. Review status: criteria provided, conflicting classifications (1 of 4 stars). 7 submissions from 7 submitters: Uncertain significance (6); Likely benign (1). Last evaluated 2025-11-13.

Conditions:
Breast-ovarian cancer, familial, susceptibility to, 4. Identifiers: Orphanet 145, MedGen C3280345, MONDO:0013669, OMIM 614291.
Hereditary cancer-predisposing syndrome. Also called: Hereditary neoplastic syndrome; Neoplastic Syndromes, Hereditary; Hereditary Cancer Syndrome; Tumor predisposition. Identifiers: Orphanet 140162, MedGen C0027672, MeSH D009386, MONDO:0015356.

Allele frequency attached by ClinVar (database versions not stated): gnomAD 0.00001; gnomAD exomes 0.00001.
gnomAD v4.1: 13 of 1,612,670 alleles (0.00081%); highest among the groups gnomAD compares: Admixed American, 0.0017%; no homozygotes.

Submissions (7):

Labcorp Genetics (formerly Invitae), Labcorp
Classification: Uncertain significance for Breast-ovarian cancer, familial, susceptibility to, 4. Last evaluated: 2025-11-13. Review status: criteria provided, single submitter. Criteria: Invitae Variant Classification Sherloc (09022015). Collection method: clinical testing. Allele origin: germline.
Comment: This sequence change replaces isoleucine, which is neutral and non-polar, with valine, which is neutral and non-polar, at codon 17 of the RAD51D protein (p.Ile17Val). This variant is not present in population databases (gnomAD no frequency). This variant has not been reported in the literature in individuals affected with RAD51D-related conditions. ClinVar contains an entry for this variant (Variation ID: 659719). An algorithm developed to predict the effect of missense changes on protein structure and function (PolyPhen-2) suggests that this variant is likely to be tolerated. In summary, the available evidence is currently insufficient to determine the role of this variant in disease. Therefore, it has been classified as a Variant of Uncertain Significance.

Quest Diagnostics Nichols Institute San Juan Capistrano
Classification: Uncertain significance. Last evaluated: 2025-06-19. Review status: criteria provided, single submitter. Criteria: Quest Diagnostics criteria. Collection method: clinical testing. Allele origin: unknown.
Comment: The RAD51D c.49A>G (p.Ile17Val) variant has not been reported in individuals with RAD51D-related conditions in the published literature. The frequency of this variant in the general population (Genome Aggregation Database) is uninformative in the assessment of its pathogenicity. Analysis of this variant using bioinformatics tools for the prediction of the effect of amino acid changes on protein structure and function yielded predictions that this variant is benign. Based on the available information, we are unable to determine the clinical significance of this variant.

Women's Health and Genetics/Laboratory Corporation of America, LabCorp
Classification: Uncertain significance. Last evaluated: 2024-07-11. Review status: criteria provided, single submitter. Criteria: LabCorp Variant Classification Summary - May 2015. Collection method: clinical testing. Allele origin: germline.

Color Diagnostics, LLC DBA Color Health
Classification: Uncertain significance for Hereditary cancer-predisposing syndrome. Last evaluated: 2023-12-05. Review status: criteria provided, single submitter. Criteria: ACMG Guidelines, 2015. Collection method: clinical testing. Allele origin: germline.
Comment: This missense variant replaces isoleucine with valine at codon 17 of the RAD51D protein. Computational prediction tools and conservation analyses suggest that this variant may not impact the protein function. Computational splicing tools suggest that this variant may not impact RNA splicing. To our knowledge, functional assays have not been performed for this variant nor has this variant been reported in individuals affected with hereditary cancer in the literature. This variant has not been identified in the general population by the Genome Aggregation Database (gnomAD). Available evidence is insufficient to determine the role of this variant in disease conclusively. Therefore, this variant is classified as a Variant of Uncertain Significance.

Baylor Genetics
Classification: Uncertain significance for Breast-ovarian cancer, familial, susceptibility to, 4. Last evaluated: 2023-11-09. Review status: criteria provided, single submitter. Criteria: ACMG Guidelines, 2015. Collection method: clinical testing. Allele origin: unknown.

Genetic Services Laboratory, University of Chicago
Classification: Uncertain significance. Last evaluated: 2021-09-21. Review status: criteria provided, single submitter. Criteria: ACMG Guidelines, 2015. Collection method: clinical testing. Allele origin: germline. Affected: no.
Comment: DNA sequence analysis of the RAD51D gene demonstrated a sequence change, c.49A>G, in exon 1 that results in an amino acid change, p.Ile17Val. This sequence change has not been described in population databases including gnomAD and ExAC (dbSNP rs1002032036). The p.Ile17Val change affects a poorly conserved amino acid residue located in a domain of the RAD51D protein that is known to be functional. The p.Ile17Val substitution appears to be benign using several in-silico pathogenicity prediction tools (SIFT, PolyPhen2, Align GVGD, REVEL). This sequence change does not appear to have been previously described in individuals with RAD51D-related disorders. Due to insufficient evidences and the lack of functional studies, the clinical significance of the p.Ile17Val change remains unknown at this time.

Ambry Genetics
Classification: Likely benign for Hereditary cancer-predisposing syndrome. Last evaluated: 2020-02-24. Review status: criteria provided, single submitter. Criteria: Ambry Variant Classification Scheme 2023. Collection method: clinical testing. Allele origin: germline.

NM_002878.4(RAD51D):c.49A>G (p.Ile17Val)

Genes: RAD51D (RAD51 paralog D; minus strand), RAD51L3-RFFL (RAD51L3-RFFL readthrough; minus strand). Cytogenetic location: 17q12.
Variant type: single nucleotide variant.
Coding change: c.49A>G on transcript NM_002878.4 (MANE Select); coding-DNA position 49, A replaced by G.
Protein change: p.Ile17Val; replaces isoleucine 17 with valine.
Molecular consequence: missense variant. On other transcripts: non-coding transcript variant (2).
Genome position (GRCh38, 1-based): chr17:35,119,565, T>C on the plus strand (A>G on the coding strand, the complement: RAD51D is on the minus strand). VCF-style: chr17-35119565-T-C. GRCh37 (hg19) VCF-style: chr17-33446584-T-C.
Other names: c.49A>G, p.Ile17Val (NM_001142571.2, NM_133629.3); short protein forms I17V.
Identifiers: ClinVar variation 659719 (VCV000659719.26), dbSNP rs1002032036, ClinGen allele CA290007271.